The following is an entry in ClinVar:

ClinVar aggregate classification (germline): Benign/Likely benign. Review status: criteria provided, multiple submitters, no conflicts (2 of 4 stars). 7 submissions from 7 submitters: Benign (4); Likely benign (2). 1 of the submissions does not count toward it. Last evaluated 2026-01-31.

Conditions:
PACS1-related disorder. Also called: PACS1-related condition.
Schuurs-Hoeijmakers syndrome. Also called: PACS1-Related Neurodevelopmental Disorder. Identifiers: Orphanet 329224, MedGen C3554343, MONDO:0014006, OMIM 615009.
Inborn genetic diseases. Identifiers: MedGen C0950123, MeSH D030342.

Allele frequency attached by ClinVar (database versions not stated): gnomAD exomes 0.00037 and 0.00118; ExAC 0.00157; 1000 Genomes Project 30x 0.00297; 1000 Genomes Project 0.00319; gnomAD 0.00381 and 0.00414; TOPMed 0.00444; ESP Exome Variant Server 0.00547.
gnomAD v4.1: 1,125 of 1,581,874 alleles (0.071%); highest among the groups gnomAD compares: African/African-American, 1.3%; 6 homozygotes.

Submissions (7):

Labcorp Genetics (formerly Invitae), Labcorp
Classification: Benign for Schuurs-Hoeijmakers syndrome. Last evaluated: 2026-01-31. Review status: criteria provided, single submitter. Criteria: Invitae Variant Classification Sherloc (09022015). Collection method: clinical testing. Allele origin: germline.

CeGaT Center for Human Genetics Tuebingen
Classification: Likely benign. Last evaluated: 2025-03-01. Review status: criteria provided, single submitter. Criteria: CeGaT Center For Human Genetics Tuebingen Variant Classification Criteria Version 2. Collection method: clinical testing. Allele origin: germline. Affected: yes. Observed: 3 variant alleles.
Comment: PACS1: BP4, BS1

Blueprint Genetics
Classification: Likely benign. Last evaluated: 2024-09-13. Review status: criteria provided, single submitter. Criteria: ACMG Guidelines, 2015. Collection method: clinical testing. Allele origin: germline.

GeneDx
Classification: Benign. Last evaluated: 2021-09-28. Review status: criteria provided, single submitter. Criteria: GeneDx Variant Classification Process June 2021. Collection method: clinical testing. Allele origin: germline. Affected: yes.

Ambry Genetics
Classification: Benign for Inborn genetic diseases. Last evaluated: 2016-07-08. Review status: criteria provided, single submitter. Criteria: Ambry Variant Classification Scheme 2023. Collection method: clinical testing. Allele origin: germline.

Breakthrough Genomics
Classification: Benign. Review status: criteria provided, single submitter. Criteria: ACMG Guidelines, 2015. Collection method: not provided. Allele origin: germline. Inheritance: Autosomal dominant inheritance. Affected: yes.

PreventionGenetics, part of Exact Sciences
Classification: Benign for PACS1-related condition. Last evaluated: 2019-04-04. Review status: no assertion criteria provided. Collection method: clinical testing. Allele origin: germline. Not counted in ClinVar's aggregate classification.
Comment: This variant is classified as benign based on ACMG/AMP sequence variant interpretation guidelines (Richards et al. 2015 PMID: 25741868, with internal and published modifications).

NM_018026.4(PACS1):c.1969A>C (p.Met657Leu)

Gene: PACS1 (phosphofurin acidic cluster sorting protein 1; plus strand). Cytogenetic location: 11q13.2.
Variant type: single nucleotide variant.
Coding change: c.1969A>C on transcript NM_018026.4 (MANE Select); coding-DNA position 1969, A replaced by C.
Protein change: p.Met657Leu; replaces methionine 657 with leucine.
Molecular consequence: missense variant.
Genome position (GRCh38, 1-based): chr11:66,233,915, A>C. VCF-style: chr11-66233915-A-C. GRCh37 (hg19) VCF-style: chr11-66001386-A-C.
Other names: short protein forms M657L.
Identifiers: ClinVar variation 588023 (VCV000588023.45), dbSNP rs115947278, ClinGen allele CA6116716.
Genomic context (GRCh38, chr11:66,233,915, plus strand): 5'-TCCATCCTCAGGTTCTTTGTCAAGTCCCTGGCCAACAAGACCTCCGACTGGCTTGGCTAC[A>C]TGCGCTTCCTCATCATCCCCCTCGGTAAAGACGGGAGGCACCAGGAGGGCGTCGGGCATG-3'
Protein context (NP_060496.2, residues 647-667): ANKTSDWLGY[Met657Leu]RFLIIPLGSH